The following is an entry in ClinVar:

NM_003002.4(SDHD):c.455_463del (p.Ala152_Met155delinsVal)

Gene: SDHD (succinate dehydrogenase complex subunit D; plus strand). Cytogenetic location: 11q23.1.
Variant type: Deletion.
Coding change: c.455_463del on transcript NM_003002.4 (MANE Select); coding-DNA positions 455 to 463, 9 bases deleted (CTGTTGCCA; older notation c.455_463delCTGTTGCCA).
Protein change: p.Ala152_Met155delinsVal.
Molecular consequence: inframe indel. On other transcripts: 3 prime UTR variant (2), non-coding transcript variant (1).
Genome position (GRCh38, 1-based): chr11:112,094,945-112,094,953, CTGTTGCCA deleted. VCF-style (leftmost placement, unchanged base first): chr11-112094944-GCTGTTGCCA-G. GRCh37 (hg19) VCF-style: chr11-111965668-GCTGTTGCCA-G.
Other names: c.*52_*60del (NM_001276503.2); c.338_346del, p.Ala113_Met116delinsVal (NM_001276504.2); c.*153_*161del (NM_001276506.2).
Identifiers: ClinVar variation 654221 (VCV000654221.4), dbSNP rs1592786423, ClinGen allele CA915947750.

ClinVar aggregate classification (germline): Uncertain significance (1 of 4 stars; one submission).

Conditions:
Cowden syndrome 3 (CWS3). Identifiers: Orphanet 201, MedGen CN166604, MONDO:0014045.
Pheochromocytoma. Also called: MAX-Related Hereditary Paraganglioma-Pheochromocytoma Syndrome. Identifiers: Orphanet 29072, MedGen C0031511, MONDO:0008233, OMIM 171300, HP:0002666.
Paragangliomas with sensorineural hearing loss. Identifiers: MedGen C1868633.
Carney-Stratakis syndrome. Also called: PARAGANGLIOMA AND GASTROINTESTINAL STROMAL TUMOR. Identifiers: Orphanet 97286, MedGen C1847319, MONDO:0011740, OMIM 606864.

Submission:

Labcorp Genetics (formerly Invitae), Labcorp
Classification: Uncertain significance for Carney-Stratakis syndrome; Paragangliomas with sensorineural hearing loss; Pheochromocytoma; Cowden syndrome 3. Last evaluated: 2018-08-15. Review status: criteria provided, single submitter. Criteria: Invitae Variant Classification Sherloc (09022015). Collection method: clinical testing. Allele origin: germline.
Comment: This variant, c.455_463del, results in the deletion of 4 amino acids of the SDHD protein and insertion of a valine residue (p.Ala152_Met155delinsVal), but otherwise preserves the integrity of the reading frame. This variant is not present in population databases (ExAC no frequency). This variant has not been reported in the literature in individuals with SDHD-related disease. Experimental studies and prediction algorithms are not available for this variant, and the functional significance of the disrupted amino acids is currently unknown. In summary, the available evidence is currently insufficient to determine the role of this variant in disease. Therefore, it has been classified as a Variant of Uncertain Significance.